The following is an entry in ClinVar:

ClinVar aggregate classification (germline): Uncertain significance. Review status: criteria provided, multiple submitters, no conflicts (2 of 4 stars). 2 submissions from 2 submitters: Uncertain significance (2). Last evaluated 2024-05-14.

Conditions:
Tuberous sclerosis 2 (TSC2). Identifiers: Orphanet 805, MedGen C1860707, MONDO:0013199, OMIM 613254.

Submissions (2):

Blueprint Genetics
Classification: Uncertain significance. Last evaluated: 2024-05-14. Review status: criteria provided, single submitter. Criteria: ACMG Guidelines, 2015. Collection method: clinical testing. Allele origin: germline.

Labcorp Genetics (formerly Invitae), Labcorp
Classification: Uncertain significance for Tuberous sclerosis 2. Last evaluated: 2024-03-22. Review status: criteria provided, single submitter. Criteria: Invitae Variant Classification Sherloc (09022015). Collection method: clinical testing. Allele origin: germline.
Comment: This sequence change replaces arginine, which is basic and polar, with glycine, which is neutral and non-polar, at codon 1268 of the TSC2 protein (p.Arg1268Gly). This variant is not present in population databases (gnomAD no frequency). This variant has not been reported in the literature in individuals affected with TSC2-related conditions. Advanced modeling of protein sequence and biophysical properties (such as structural, functional, and spatial information, amino acid conservation, physicochemical variation, residue mobility, and thermodynamic stability) performed at Invitae indicates that this missense variant is not expected to disrupt TSC2 protein function with a negative predictive value of 95%. In summary, the available evidence is currently insufficient to determine the role of this variant in disease. Therefore, it has been classified as a Variant of Uncertain Significance.

NM_000548.5(TSC2):c.3802C>G (p.Arg1268Gly)

Gene: TSC2 (TSC complex subunit 2; plus strand). Cytogenetic location: 16p13.3.
Variant type: single nucleotide variant.
Coding change: c.3802C>G on transcript NM_000548.5 (MANE Select); coding-DNA position 3802, C replaced by G.
Protein change: p.Arg1268Gly; replaces arginine 1268 with glycine.
Molecular consequence: missense variant. On other transcripts: non-coding transcript variant (5).
Genome position (GRCh38, 1-based): chr16:2,081,786, C>G. VCF-style: chr16-2081786-C-G. GRCh37 (hg19) VCF-style: chr16-2131787-C-G.
Other names: c.3670C>G, p.Arg1224Gly (NM_001077183.3, NM_001370404.1, NM_001406665.1); c.3802C>G, p.Arg1268Gly (NM_001114382.3); c.3562C>G, p.Arg1188Gly (NM_001318827.2); c.3526C>G, p.Arg1176Gly (NM_001318829.2); c.3070C>G, p.Arg1024Gly (NM_001318831.2, NM_001406687.1, NM_001406688.1); c.3703C>G, p.Arg1235Gly (NM_001318832.2); c.3673C>G, p.Arg1225Gly (NM_001363528.2, NM_001370405.1, NM_021055.3); c.3799C>G, p.Arg1267Gly (NM_001406663.1, NM_001406664.1); and 18 more; short protein forms R1025G, R1187G, R1219G, R1220G, R1255G, R1267G, R690G, R1068G.
Identifiers: ClinVar variation 3637225 (VCV003637225.3).